The following is an entry in ClinVar:

NM_014009.4(FOXP3):c.739G>A (p.Val247Met)

Gene: FOXP3 (forkhead box P3; minus strand). Cytogenetic location: Xp11.23.
Variant type: single nucleotide variant.
Coding change: c.739G>A on transcript NM_014009.4 (MANE Select); coding-DNA position 739, G replaced by A.
Protein change: p.Val247Met; replaces valine 247 with methionine.
Molecular consequence: missense variant.
Genome position (GRCh38, 1-based): chrX:49,255,506, C>T on the plus strand (G>A on the coding strand, the complement: FOXP3 is on the minus strand). VCF-style: chrX-49255506-C-T. GRCh37 (hg19) VCF-style: chrX-49111967-C-T.
Other names: p.Val247Met; c.634G>A, p.Val212Met (NM_001114377.2); short protein forms V212M, V247M.
Identifiers: ClinVar variation 4542486 (VCV004542486.1).

ClinVar aggregate classification (germline): Uncertain significance (1 of 4 stars; one submission).

Submission:

Mayo Clinic Laboratories, Mayo Clinic
Classification: Uncertain significance. Last evaluated: 2025-09-10. Review status: criteria provided, single submitter. Criteria: ACMG Guidelines, 2015. Collection method: clinical testing. Allele origin: germline. Observed: 1 variant allele.
Comment: PM2_supporting